The following continues an entry in ClinVar:

NM_001267550.2(TTN):c.98299_98300del (p.Arg32767fs)

ClinVar aggregate classification (germline): Pathogenic/Likely pathogenic. Pathogenic (10); Likely pathogenic (5).

Submissions 11 to 16 of 16:

ARUP Laboratories, Molecular Genetics and Genomics, ARUP Laboratories
Classification: Likely pathogenic. Last evaluated: 2019-09-25. Review status: criteria provided, single submitter. Criteria: ARUP Molecular Germline Variant Investigation Process. Collection method: clinical testing. Allele origin: germline.
Comment: The TTN c.98299_98300del; p.Arg32767fs variant (rs397517776), to our knowledge, is not reported in the medical literature but is reported in ClinVar (Variation ID: 47599). This variant is listed in the Genome Aggregation Database (gnomAD) identified on 2 chromosomes out of 280,078. This variant causes a frameshift by deleting 2 nucleotides, so it is predicted to result in a truncated protein or mRNA subject to nonsense-mediated decay. Moreover, this variant is in the A-band, a zone in the TTN protein disproportionately enriched with truncating variants in patients diagnosed with dilated cardiomyopathy (Roberts, 2015). Overall, the p.Arg32767fs variant meets our criteria for likely pathogenic.

Human Genome Sequencing Center Clinical Lab, Baylor College of Medicine
Classification: Pathogenic for Dilated cardiomyopathy 1G. Last evaluated: 2019-08-13. Review status: criteria provided, single submitter. Criteria: ACMG Guidelines, 2015. Collection method: clinical testing. Allele origin: germline.
Comment: This TTN variant (c.98299_98300delAG) deletes two nucleotides and is predicted to cause a frameshift and subsequent premature stop codon (p.Arg32767GlyfsTer2) leading to a shortened or absent protein. This variant is located in the A-band of TTN where other pathogenic truncating variants have been described in individuals with DCM (PMID: 25589632). It is present at very low frequency (2/280078) in gnomAD. In addition, it has been described in several individuals with DCM (PMID: 22335739, 25589632). It is therefore considered a pathogenic variant.

Eurofins Ntd Llc (ga)
Classification: Likely pathogenic. Last evaluated: 2016-11-15. Review status: criteria provided, single submitter. Criteria: EGL Classification Definitions 2015. Collection method: clinical testing. Allele origin: germline. Observed: 1 variant allele, 1 heterozygote.

Cardiovascular Biomedical Research Unit, Royal Brompton & Harefield NHS Foundation Trust
Classification: Likely pathogenic for Primary dilated cardiomyopathy. Last evaluated: 2014-10-08. Review status: criteria provided, single submitter. Criteria: Roberts et al. 2015. Collection method: research. Allele origin: germline. Inheritance: Autosomal dominant inheritance. Affected: yes. Observed: 1 variant allele. Study: Endstage DCM.
Comment: In the seven cohorts assessed, TTNtv were found in 14% of ambulant DCM, 22% end-stage or familial DCM, and 2% controls. Heterozygous nonsense, frameshift and canonical splice-disrupting variants found in constitutive and other highly utilised exons are highly likely to be pathogenic when identified in individuals with phenotypically confirmed DCM. TTNtv found incidentally in healthy individuals (excluding familial assessment of DCM relatives) are thought to have low penetrance, particularly when identified in exons that are not constitutively expressed in the heart.

Ambry Genetics
Classification: Likely pathogenic for Cardiovascular phenotype. Last evaluated: 2013-09-17. Review status: criteria provided, single submitter. Criteria: Ambry Autosomal Dominant and X-Linked criteria (10/2015). Collection method: clinical testing. Allele origin: germline. Observed: 1 variant allele.
Comment: The c.90595_90596delAG variant, located in coding exon 300 of the TTN gene, results from a deletion of 2 nucleotides between positions 90595 and 90596, causing a translational frameshift with a predicted alternate stop codon. Frameshift alterations resulting in a truncated protein substantially alter protein structure, and this variant therefore meets ACMG criteria for classification as a mutation (ACMG Recommendations for Standards for Interpretation and Reporting of Sequence Variations. Revision 2007. Genet Med 2008;10:294). Furthermore, truncating alterations in TTN were observed at a significantly higher frequency among patients with dilated cardiomyopathy (DCM), or 54/203 (27%), compared to patients with hypertrophic cardiomyopathy (3/231, 1%, P=9x10-14) and healthy controls (7 of 247, 3%, P=4x10-5). Among families with multiple relatives with DCM, this study also provided strong data demonstrating segregation with disease (Herman et al. 2012 NEJM 366:619-628). However, the functional consequence of protein truncating alterations in TTN have not been well described, and this specific alteration (TTN c.90595_90596delAG) has not been reported in the literature. Therefore, this variant is likely to be pathogenic; however, due to the uncertainty of the functional and clinical consequences, its significance remains unclear.

Cardiogenetics and Myogenetics Molecular and Cellular Functional Unit, Aphp Sorbonne University-Hopital Pitie Salpetriere
Classification: Likely pathogenic for Dilated cardiomyopathy 1G. Last evaluated: 2024-01-06. Review status: no assertion criteria provided. Collection method: clinical testing. Allele origin: germline. Affected: yes. Not counted in ClinVar's aggregate classification.

Literature cited by the submitters: PubMed 22335739 (cited by 4 submitters); PubMed 25589632 (cited by 3 submitters); PubMed 23975875 (cited by Labcorp Genetics (formerly Invitae), Labcorp); PubMed 30471092 (cited by Mayo Clinic Laboratories, Mayo Clinic and Center for Human Genetics, University of Leuven); PubMed 30535219 (cited by Mayo Clinic Laboratories, Mayo Clinic and Center for Human Genetics, University of Leuven); PubMed 33106378 (cited by Mayo Clinic Laboratories, Mayo Clinic); PubMed 34088380 (cited by Mayo Clinic Laboratories, Mayo Clinic and Center for Human Genetics, University of Leuven); PubMed 34495297 (cited by Mayo Clinic Laboratories, Mayo Clinic); PubMed 35027292 (cited by Mayo Clinic Laboratories, Mayo Clinic and Center for Human Genetics, University of Leuven); PubMed 36396199 (cited by Mayo Clinic Laboratories, Mayo Clinic); PubMed 36788754 (cited by Mayo Clinic Laboratories, Mayo Clinic); PubMed 38050027 (cited by Mayo Clinic Laboratories, Mayo Clinic).